The following is an entry in ClinVar:

ClinVar aggregate classification (germline): Uncertain significance (1 of 4 stars; one submission).

Conditions:
Catecholaminergic polymorphic ventricular tachycardia 1. Also called: VENTRICULAR TACHYCARDIA, STRESS-INDUCED POLYMORPHIC 1; RYR2-Related Catecholaminergic Polymorphic Ventricular Tachycardia; VENTRICULAR TACHYCARDIA, CATECHOLAMINERGIC POLYMORPHIC, 1, WITH OR WITHOUT ATRIAL DYSFUNCTION AND/OR DILATED CARDIOMYOPATHY. Identifiers: Orphanet 3286, MedGen C1631597, MONDO:0011484, OMIM 604772.

Submission:

Labcorp Genetics (formerly Invitae), Labcorp
Classification: Uncertain significance for Catecholaminergic polymorphic ventricular tachycardia 1. Last evaluated: 2022-05-01. Review status: criteria provided, single submitter. Criteria: Invitae Variant Classification Sherloc (09022015). Collection method: clinical testing. Allele origin: germline.
Comment: In summary, the available evidence is currently insufficient to determine the role of this variant in disease. Therefore, it has been classified as a Variant of Uncertain Significance. Algorithms developed to predict the effect of missense changes on protein structure and function are either unavailable or do not agree on the potential impact of this missense change (SIFT: "Deleterious"; PolyPhen-2: "Benign"; Align-GVGD: "Class C65"). This variant has not been reported in the literature in individuals affected with RYR2-related conditions. This variant is not present in population databases (gnomAD no frequency). This sequence change replaces histidine, which is basic and polar, with leucine, which is neutral and non-polar, at codon 3614 of the RYR2 protein (p.His3614Leu).

NM_001035.3(RYR2):c.10841A>T (p.His3614Leu)

Gene: RYR2 (ryanodine receptor 2; plus strand). Cytogenetic location: 1q43.
Variant type: single nucleotide variant.
Coding change: c.10841A>T on transcript NM_001035.3 (MANE Select); coding-DNA position 10841, A replaced by T.
Protein change: p.His3614Leu; replaces histidine 3614 with leucine.
Molecular consequence: missense variant.
Genome position (GRCh38, 1-based): chr1:237,730,262, A>T. VCF-style: chr1-237730262-A-T. GRCh37 (hg19) VCF-style: chr1-237893562-A-T.
Other names: short protein forms H3614L.
Identifiers: ClinVar variation 2108272 (VCV002108272.4), dbSNP rs2527041428, ClinGen allele CA345417751.